The following is an entry in ClinVar:

ClinVar aggregate classification (germline): Likely benign. Review status: criteria provided, single submitter (1 of 4 stars). 2 submissions from 2 submitters: Likely benign (1). 1 of the submissions does not count toward it. Last evaluated 2024-01-17.

Conditions:
TTN-related disorder. Also called: TTN-related condition; TTN-related disease; TTN-related disorders.
Dilated cardiomyopathy 1G (CMD1G). Identifiers: Orphanet 154, MedGen C1858763, MONDO:0011400, OMIM 604145.
Autosomal recessive limb-girdle muscular dystrophy type 2J (LGMDR10). Also called: MUSCULAR DYSTROPHY, LIMB-GIRDLE, AUTOSOMAL RECESSIVE 10; Limb-girdle muscular dystrophy, type 2J. Identifiers: Orphanet 140922, MedGen C1837342, MONDO:0012127, OMIM 608807.

Allele frequency attached by ClinVar (database versions not stated): ExAC 0.00001; gnomAD 0.00001.
gnomAD v4.1: 6 of 1,612,244 alleles (0.00037%); highest among the groups gnomAD compares: South Asian, 0.0022%; no homozygotes.

Submissions (2):

Labcorp Genetics (formerly Invitae), Labcorp
Classification: Likely benign for Dilated cardiomyopathy 1G; Autosomal recessive limb-girdle muscular dystrophy type 2J. Last evaluated: 2024-01-17. Review status: criteria provided, single submitter. Criteria: Invitae Variant Classification Sherloc (09022015). Collection method: clinical testing. Allele origin: germline.

PreventionGenetics, part of Exact Sciences
Classification: Likely benign for TTN-related condition. Last evaluated: 2020-09-17. Review status: no assertion criteria provided. Collection method: clinical testing. Allele origin: germline. Not counted in ClinVar's aggregate classification.
Comment: This variant is classified as likely benign based on ACMG/AMP sequence variant interpretation guidelines (Richards et al. 2015 PMID: 25741868, with internal and published modifications).

NM_001267550.2(TTN):c.38721C>T (p.Pro12907=)

Gene: TTN (titin; minus strand). Cytogenetic location: 2q31.2.
Variant type: single nucleotide variant.
Coding change: c.38721C>T on transcript NM_001267550.2 (MANE Select); coding-DNA position 38721, C replaced by T.
Protein change: p.Pro12907=; no amino-acid change (proline 12907 retained).
Molecular consequence: synonymous variant. On other transcripts: intron variant (5).
Genome position (GRCh38, 1-based): chr2:178,653,308, G>A on the plus strand (C>T on the coding strand, the complement: TTN is on the minus strand). VCF-style: chr2-178653308-G-A. GRCh37 (hg19) VCF-style: chr2-179518035-G-A.
Other names: c.13283-10991C>T (NM_003319.4); c.13859-10991C>T (NM_133437.4); c.13658-10991C>T (NM_133432.3); c.31742-767C>T (NM_133378.4); c.34523-767C>T (NM_001256850.1).
Identifiers: ClinVar variation 2179661 (VCV002179661.6), dbSNP rs780439295, ClinGen allele CA1997077.
Genomic context (GRCh38, chr2:178,653,308, plus strand): 5'-TGGGACTTCAGGCTTTTTAGGAGGAGCCAAGGGCACTTTCTTTTCAAGGACAACTTCTTT[G>A]GGAGCCTCTGGCACTTAAAAGATATTAGTAAAGTTACATGTAGAGCTATGGAGACTACTA-3'
Protein context (NP_001254479.2, residues 12897-12917): EVPPVTVPEA[Pro12907=]KEVVLEKKVP